The following is an entry in ClinVar:

NM_001080517.3(SETD5):c.1006_1007del (p.Met336fs)

Gene: SETD5 (SET domain containing 5; plus strand). Cytogenetic location: 3p25.3.
Variant type: Deletion.
Coding change: c.1006_1007del on transcript NM_001080517.3 (MANE Select); coding-DNA positions 1006 to 1007, 2 bases deleted (AT; older notation c.1006_1007delAT).
Protein change: p.Met336fs; shifts the reading frame from methionine 336.
Molecular consequence: frameshift variant.
Genome position (GRCh38, 1-based): chr3:9,442,174-9,442,175, AT deleted. VCF-style (leftmost placement, unchanged base first): chr3-9442173-GAT-G. GRCh37 (hg19) VCF-style: chr3-9483857-GAT-G.
Other names: c.712_713del, p.Met238fs (NM_001292043.2, NM_001349451.2); short protein forms M238fs, M336fs.
Identifiers: ClinVar variation 2446167 (VCV002446167.2), dbSNP rs2472724023, ClinGen allele CA2580070605.

ClinVar aggregate classification (germline): Pathogenic (1 of 4 stars; one submission).

Submission:

GeneDx
Classification: Pathogenic. Last evaluated: 2024-09-19. Review status: criteria provided, single submitter. Criteria: GeneDx Variant Classification Process June 2021. Collection method: clinical testing. Allele origin: germline.
Comment: Frameshift variant predicted to result in protein truncation or nonsense mediated decay in a gene for which loss-of-function is a known mechanism of disease; Not observed in large population cohorts (gnomAD); Has not been previously published as pathogenic or benign to our knowledge